The following is an entry in ClinVar:

NM_005560.6(LAMA5):c.1418C>T (p.Pro473Leu)

Gene: LAMA5 (laminin subunit alpha 5; minus strand). Cytogenetic location: 20q13.33.
Variant type: single nucleotide variant.
Coding change: c.1418C>T on transcript NM_005560.6 (MANE Select); coding-DNA position 1418, C replaced by T.
Protein change: p.Pro473Leu; replaces proline 473 with leucine.
Molecular consequence: missense variant.
Genome position (GRCh38, 1-based): chr20:62,345,877, G>A on the plus strand (C>T on the coding strand, the complement: LAMA5 is on the minus strand). VCF-style: chr20-62345877-G-A. GRCh37 (hg19) VCF-style: chr20-60920933-G-A.
Other names: short protein forms P473L.
Identifiers: ClinVar variation 1984181 (VCV001984181.4), dbSNP rs373731313, ClinGen allele CA9943938.

ClinVar aggregate classification (germline): Uncertain significance (1 of 4 stars; one submission).

Allele frequency attached by ClinVar (database versions not stated): gnomAD 0.00003; TOPMed 0.00005; ESP Exome Variant Server 0.00008; ExAC 0.00009; 1000 Genomes Project 30x 0.00016; 1000 Genomes Project 0.00020.
gnomAD v4.1: 57 of 1,554,060 alleles (0.0037%); highest among the groups gnomAD compares: East Asian, 0.012%; no homozygotes.

Submission:

Labcorp Genetics (formerly Invitae), Labcorp
Classification: Uncertain significance. Last evaluated: 2022-08-09. Review status: criteria provided, single submitter. Criteria: Invitae Variant Classification Sherloc (09022015). Collection method: clinical testing. Allele origin: germline.
Comment: In summary, the available evidence is currently insufficient to determine the role of this variant in disease. Therefore, it has been classified as a Variant of Uncertain Significance. Algorithms developed to predict the effect of missense changes on protein structure and function are either unavailable or do not agree on the potential impact of this missense change (SIFT: "Tolerated"; PolyPhen-2: "Probably Damaging"; Align-GVGD: "Class C0"). This variant has not been reported in the literature in individuals affected with LAMA5-related conditions. This variant is present in population databases (rs373731313, gnomAD 0.02%). This sequence change replaces proline, which is neutral and non-polar, with leucine, which is neutral and non-polar, at codon 473 of the LAMA5 protein (p.Pro473Leu).